The following is an entry in ClinVar:

ClinVar aggregate classification (germline): Likely benign. Review status: criteria provided, multiple submitters, no conflicts (2 of 4 stars). 3 submissions from 3 submitters: Likely benign (3). Last evaluated 2026-09-15.

Conditions:
GRM6-related disorder. Also called: GRM6-related condition.

Allele frequency attached by ClinVar (database versions not stated): gnomAD exomes 0.00008 and 0.00006; TOPMed 0.00008; gnomAD 0.00009; ExAC 0.00012; ESP Exome Variant Server 0.00015; 1000 Genomes Project 30x 0.00016; 1000 Genomes Project 0.00020.
gnomAD v4.1: 101 of 1,608,884 alleles (0.0063%); highest among the groups gnomAD compares: Middle Eastern, 0.033%; no homozygotes.

Submissions (3):

PreventionGenetics, part of Exact Sciences
Classification: Likely benign for GRM6-related condition. Last evaluated: 2026-09-15. Review status: criteria provided, single submitter. Criteria: ACMG Guidelines, 2015. Collection method: clinical testing. Allele origin: germline.
Comment: This variant is classified as likely benign based on ACMG/AMP sequence variant interpretation guidelines (Richards et al. 2015 PMID: 25741868, with internal and published modifications).

Labcorp Genetics (formerly Invitae), Labcorp
Classification: Likely benign. Last evaluated: 2026-01-23. Review status: criteria provided, single submitter. Criteria: Invitae Variant Classification Sherloc (09022015). Collection method: clinical testing. Allele origin: germline.

Blueprint Genetics
Classification: Likely benign. Last evaluated: 2024-07-17. Review status: criteria provided, single submitter. Criteria: ACMG Guidelines, 2015. Collection method: clinical testing. Allele origin: germline.

NM_000843.4(GRM6):c.1501-8C>T

Genes: GRM6 (glutamate metabotropic receptor 6; minus strand), ZNF454 (zinc finger protein 454; plus strand). Cytogenetic location: 5q35.3.
Variant type: single nucleotide variant.
Coding change: c.1501-8C>T on transcript NM_000843.4 (MANE Select); 8 bases into the intron before coding-DNA position 1501, C replaced by T.
Molecular consequence: intron variant.
Genome position (GRCh38, 1-based): chr5:178,986,761, G>A on the plus strand (C>T on the coding strand, the complement: GRM6 is on the minus strand). VCF-style: chr5-178986761-G-A. GRCh37 (hg19) VCF-style: chr5-178413762-G-A.
Other names: c.1501-8C>T (NM_000843.3).
Identifiers: ClinVar variation 1669809 (VCV001669809.10), dbSNP rs376899471, ClinGen allele CA3594015.
Genomic context (GRCh38, chr5:178,986,761, plus strand): 5'-CACAGAGACGAGGGCACCTCGTGGGGGTCGCCAGACCACTGCAGGGCCTCCACCTGGGAC[G>A]CACAAAACACAGGCTGGGGCGTCTGCCTCCGGGATCCTGGGCCCATGCCCACCTGGGGCT-3'